The following is an entry in ClinVar:

ClinVar aggregate classification (germline): Uncertain significance. Review status: criteria provided, multiple submitters, no conflicts (2 of 4 stars). 2 submissions from 2 submitters: Uncertain significance (2). Last evaluated 2023-04-03.

Allele frequency attached by ClinVar (database versions not stated): ExAC 0.00002; gnomAD exomes 0.00004; TOPMed 0.00001.
gnomAD v4.1: 56 of 1,614,176 alleles (0.0035%); highest among the groups gnomAD compares: Non-Finnish European, 0.0047%; no homozygotes.

Submissions (2):

Mayo Clinic Laboratories, Mayo Clinic
Classification: Uncertain significance. Last evaluated: 2023-04-03. Review status: criteria provided, single submitter. Criteria: ACMG Guidelines, 2015. Collection method: clinical testing. Allele origin: germline. Observed: 1 variant allele.
Comment: BP4, PM2

GeneDx
Classification: Uncertain significance. Last evaluated: 2021-09-29. Review status: criteria provided, single submitter. Criteria: GeneDx Variant Classification Process June 2021. Collection method: clinical testing. Allele origin: germline. Affected: yes.
Comment: Not observed at significant frequency in large population cohorts (Lek et al., 2016); In silico analysis supports that this missense variant does not alter protein structure/function; Has not been previously published as pathogenic or benign to our knowledge

NM_020631.6(PLEKHG5):c.2021G>A (p.Gly674Asp)

Gene: PLEKHG5 (pleckstrin homology and RhoGEF domain containing G5; minus strand). Cytogenetic location: 1p36.31.
Variant type: single nucleotide variant.
Coding change: c.2021G>A on transcript NM_020631.6 (MANE Select); coding-DNA position 2021, G replaced by A.
Protein change: p.Gly674Asp; replaces glycine 674 with aspartic acid.
Molecular consequence: missense variant.
Genome position (GRCh38, 1-based): chr1:6,469,363, C>T on the plus strand (G>A on the coding strand, the complement: PLEKHG5 is on the minus strand). VCF-style: chr1-6469363-C-T. GRCh37 (hg19) VCF-style: chr1-6529423-C-T.
Other names: p.Gly674Asp; c.2132G>A, p.Gly711Asp (NM_001042663.3, NM_001265592.2); c.2021G>A, p.Gly674Asp (NM_001042664.2, NM_001042665.2, NM_001265594.3 and 1 more transcripts); c.2228G>A, p.Gly743Asp (NM_001265593.2); c.2021G>A (NM_020631.5); short protein forms G674D, G711D, G743D.
Identifiers: ClinVar variation 1300633 (VCV001300633.3), dbSNP rs772414205, ClinGen allele CA561282.